The following is an entry in ClinVar:

NM_002764.4(PRPS1):c.610C>T (p.Arg204Cys)

Gene: PRPS1 (phosphoribosyl pyrophosphate synthetase 1; plus strand). Cytogenetic location: Xq22.3.
Variant type: single nucleotide variant.
Coding change: c.610C>T on transcript NM_002764.4 (MANE Select); coding-DNA position 610, C replaced by T.
Protein change: p.Arg204Cys; replaces arginine 204 with cysteine.
Molecular consequence: missense variant. On other transcripts: 5 prime UTR variant (1).
Genome position (GRCh38, 1-based): chrX:107,645,256, C>T. VCF-style: chrX-107645256-C-T. GRCh37 (hg19) VCF-style: chrX-106888486-C-T.
Other names: c.-3C>T (NM_001204402.2); short protein forms R204C.
Identifiers: ClinVar variation 844486 (VCV000844486.10), dbSNP rs1925666328, ClinGen allele CA413812059.

ClinVar aggregate classification (germline): Uncertain significance. Review status: criteria provided, multiple submitters, no conflicts (2 of 4 stars). 2 submissions from 2 submitters: Uncertain significance (2). Last evaluated 2024-11-28.

Conditions:
Charcot-Marie-Tooth Neuropathy X. Identifiers: MedGen CN118851.

Allele frequency attached by ClinVar (database versions not stated): gnomAD exomes below 0.00001.
gnomAD v4.1: 2 of 1,211,933 alleles (0.00017%); highest among the groups gnomAD compares: Non-Finnish European, 0.00022%; no homozygotes.

Submissions (2):

Blueprint Genetics
Classification: Uncertain significance. Last evaluated: 2024-11-28. Review status: criteria provided, single submitter. Criteria: ACMG Guidelines, 2015. Collection method: clinical testing. Allele origin: germline.

Labcorp Genetics (formerly Invitae), Labcorp
Classification: Uncertain significance for Charcot-Marie-Tooth Neuropathy X. Last evaluated: 2019-05-31. Review status: criteria provided, single submitter. Criteria: Invitae Variant Classification Sherloc (09022015). Collection method: clinical testing. Allele origin: germline.
Comment: In summary, the available evidence is currently insufficient to determine the role of this variant in disease. Therefore, it has been classified as a Variant of Uncertain Significance. Algorithms developed to predict the effect of missense changes on protein structure and function are either unavailable or do not agree on the potential impact of this missense change (SIFT: "Deleterious"; PolyPhen-2: "Benign"; Align-GVGD: "Class C0"). This variant has not been reported in the literature in individuals with PRPS1-related conditions. This variant is not present in population databases (ExAC no frequency). This sequence change replaces arginine with cysteine at codon 204 of the PRPS1 protein (p.Arg204Cys). The arginine residue is moderately conserved and there is a large physicochemical difference between arginine and cysteine.